The following is an entry in ClinVar:

NM_000222.3(KIT):c.2000T>G (p.Leu667Arg)

Gene: KIT (KIT proto-oncogene, receptor tyrosine kinase; plus strand). Cytogenetic location: 4q12.
Variant type: single nucleotide variant.
Coding change: c.2000T>G on transcript NM_000222.3 (MANE Select); coding-DNA position 2000, T replaced by G.
Protein change: p.Leu667Arg; replaces leucine 667 with arginine.
Molecular consequence: missense variant.
Genome position (GRCh38, 1-based): chr4:54,729,344, T>G. VCF-style: chr4-54729344-T-G. GRCh37 (hg19) VCF-style: chr4-55595510-T-G.
Other names: c.1988T>G, p.Leu663Arg (NM_001093772.2, NM_001385286.1); c.2003T>G, p.Leu668Arg (NM_001385284.1, NM_001385290.1); c.2000T>G, p.Leu667Arg (NM_001385285.1); c.1991T>G, p.Leu664Arg (NM_001385288.1, NM_001385292.1); short protein forms L667R, L663R, L664R, L668R.
Identifiers: ClinVar variation 393590 (VCV000393590.1), dbSNP rs1560419312, ClinGen allele CA356909166.
Genomic context (GRCh38, chr4:54,729,344, plus strand): 5'-ATTAATCTATATATCTCACCTTCTTTCTAACCTTTTCTTATGTGCTTTTAGGGCCCACCC[T>G]GGTCATTACAGAATATTGTTGCTATGGTGATCTTTTGAATTTTTTGAGAAGAAAACGTGA-3'
Protein context (NP_000213.1, residues 657-677): LGACTIGGPT[Leu667Arg]VITEYCCYGD

ClinVar aggregate classification (germline): Likely pathogenic (1 of 4 stars; one submission).

Conditions:
Piebaldism. Also called: Piebald skin depigmentation. Identifiers: Orphanet 2884, MedGen C0080024, MONDO:0008244, OMIM 172800, HP:0007544.

Submission:

KK Women’s and Children’s Hospital
Classification: Likely pathogenic for Piebaldism. Review status: criteria provided, single submitter. Criteria: ACMG Guidelines, 2015. Collection method: research. Allele origin: de novo. Inheritance: Autosomal dominant inheritance. Affected: yes. Observed: 1 variant allele, 1 heterozygote.
Comment: This missense variant is expected to result in the substitution of Leucine with Arginine at codon 667 in the intracellular tyrosine kinase (TK) domain. It is predicted to be pathogenic by SIFT and Polyphen2 although protein modeling using a Swiss model and rendered with PyMOL did not show any change in the 3D structure.